The following is an entry in ClinVar:

NM_001961.4(EEF2):c.1304C>T (p.Thr435Ile)

Gene: EEF2 (eukaryotic translation elongation factor 2; minus strand). Cytogenetic location: 19p13.3.
Variant type: single nucleotide variant.
Coding change: c.1304C>T on transcript NM_001961.4 (MANE Select); coding-DNA position 1304, C replaced by T.
Protein change: p.Thr435Ile; replaces threonine 435 with isoleucine.
Molecular consequence: missense variant.
Genome position (GRCh38, 1-based): chr19:3,980,556, G>A on the plus strand (C>T on the coding strand, the complement: EEF2 is on the minus strand). VCF-style: chr19-3980556-G-A. GRCh37 (hg19) VCF-style: chr19-3980554-G-A.
Other names: short protein forms T435I.
Identifiers: ClinVar variation 2787242 (VCV002787242.3), dbSNP rs1379577842, ClinGen allele CA403392818.

ClinVar aggregate classification (germline): Uncertain significance (1 of 4 stars; one submission).

Allele frequency attached by ClinVar (database versions not stated): gnomAD exomes below 0.00001.
gnomAD v4.1: 2 of 1,614,220 alleles (0.00012%); highest among the groups gnomAD compares: East Asian, 0.0022%; no homozygotes.

Submission:

Labcorp Genetics (formerly Invitae), Labcorp
Classification: Uncertain significance. Last evaluated: 2023-07-04. Review status: criteria provided, single submitter. Criteria: Invitae Variant Classification Sherloc (09022015). Collection method: clinical testing. Allele origin: germline.
Comment: In summary, the available evidence is currently insufficient to determine the role of this variant in disease. Therefore, it has been classified as a Variant of Uncertain Significance. Advanced modeling of protein sequence and biophysical properties (such as structural, functional, and spatial information, amino acid conservation, physicochemical variation, residue mobility, and thermodynamic stability) performed at Invitae indicates that this missense variant is not expected to disrupt EEF2 protein function. This variant has not been reported in the literature in individuals affected with EEF2-related conditions. This variant is present in population databases (no rsID available, gnomAD 0.01%). This sequence change replaces threonine, which is neutral and polar, with isoleucine, which is neutral and non-polar, at codon 435 of the EEF2 protein (p.Thr435Ile).